The following is an entry in ClinVar:

ClinVar aggregate classification (germline): not provided (0 of 4 stars; one submission).

Conditions:
Sarcoma. Identifiers: MedGen C1261473, MONDO:0005089, HP:0100242.

Submission:

Laboratory of Translational Genomics,  National Cancer Institute
No classification provided. Review status: no classification provided. Collection method: not provided. Allele origin: somatic.
Comment: Pediatric sarcoma specimen

NM_006218.2:c.1821+51A>T

Gene: PIK3CA (phosphatidylinositol-4,5-bisphosphate 3-kinase catalytic subunit alpha; plus strand). Cytogenetic location: 3q26.32.
Variant type: single nucleotide variant.
Identifiers: ClinVar variation 132966 (VCV000132966.1).